The following is an entry in ClinVar:

ClinVar aggregate classification (germline): Benign/Likely benign. Review status: criteria provided, multiple submitters, no conflicts (2 of 4 stars). 10 submissions from 10 submitters: Benign (5); Likely benign (4). 1 of the submissions does not count toward it. Last evaluated 2026-02-03.

Conditions:
DSP-related disorder. Also called: DSP-related condition; DSP-related disorders.
Cardiovascular phenotype. Identifiers: MedGen CN230736.
Cardiomyopathy (CMYO). Also called: Cardiomyopathies. Identifiers: Orphanet 167848, MedGen C0878544, MONDO:0004994, HP:0001638. Inheritance: Various modes of inheritance.
Arrhythmogenic cardiomyopathy with wooly hair and keratoderma. Also called: PALMOPLANTAR KERATODERMA WITH LEFT VENTRICULAR CARDIOMYOPATHY AND WOOLLY HAIR; Arrhythmogenic cardiomyopathy with woolly hair and keratoderma; Dilated cardiomyopathy with woolly hair and keratoderma; Carvajal syndrome. Identifiers: Orphanet 65282, MedGen C1854063, MONDO:0011581, OMIM 605676.
Arrhythmogenic right ventricular dysplasia 8 (ARVD8). Also called: Arrhythmogenic Right Ventricular Dysplasia/Cardiomyopathy 8; ARRHYTHMOGENIC RIGHT VENTRICULAR DYSPLASIA, FAMILIAL, 8; ARRHYTHMOGENIC RIGHT VENTRICULAR CARDIOMYOPATHY 8. Identifiers: MedGen C1843896, MONDO:0011831, OMIM 607450.

Allele frequency attached by ClinVar (database versions not stated): TOPMed 0.00125; gnomAD 0.00131 and 0.00132; ESP Exome Variant Server 0.00169; 1000 Genomes Project 0.00260; 1000 Genomes Project 30x 0.00265.
gnomAD v4.1: 369 of 1,614,020 alleles (0.023%); highest among the groups gnomAD compares: African/African-American, 0.41%; no homozygotes.

Submissions (10):

Labcorp Genetics (formerly Invitae), Labcorp
Classification: Benign for Arrhythmogenic cardiomyopathy with wooly hair and keratoderma; Arrhythmogenic right ventricular dysplasia 8. Last evaluated: 2026-02-03. Review status: criteria provided, single submitter. Criteria: Invitae Variant Classification Sherloc (09022015). Collection method: clinical testing. Allele origin: germline.

Blueprint Genetics
Classification: Benign. Last evaluated: 2024-10-18. Review status: criteria provided, single submitter. Criteria: ACMG Guidelines, 2015. Collection method: clinical testing. Allele origin: germline.

ARUP Laboratories, Molecular Genetics and Genomics, ARUP Laboratories
Classification: Likely benign. Last evaluated: 2021-04-13. Review status: criteria provided, single submitter. Criteria: ARUP Molecular Germline Variant Investigation Process 2021. Collection method: clinical testing. Allele origin: germline.

Color Diagnostics, LLC DBA Color Health
Classification: Benign for Cardiomyopathy. Last evaluated: 2018-09-16. Review status: criteria provided, single submitter. Criteria: ACMG Guidelines, 2015. Collection method: clinical testing. Allele origin: germline.

Women's Health and Genetics/Laboratory Corporation of America, LabCorp
Classification: Benign. Last evaluated: 2016-04-05. Review status: criteria provided, single submitter. Criteria: LabCorp Variant Classification Summary - May 2015. Collection method: clinical testing. Allele origin: germline.
Comment: Variant Summary: The variant of interest causes a synonymous change involving a non-conserved nucleotide with 5/5 in silico programs via Alamut predicting no significant effect on splicing, although these predictions have yet to be functionally assessed. The variant of interest was observed in the large, broad control population, ExAC, with an allele frequency of 55/120418 (1/2189), predominantly in the African cohort, 52/10138 (1/194), which exceeds the predicted maximum expected allele frequency for a pathogenic DSP variant of 1/100000. Therefore, suggesting that the variant is a common polymorphism found in population(s) of African origin. In addition, multiple reputable clinical laboratories cite the variant with a classification of "likely benign." Therefore, taking all available lines of evidence into consideration, the variant of interest is classified as Benign.

Ambry Genetics
Classification: Likely benign for Cardiovascular phenotype. Last evaluated: 2015-09-28. Review status: criteria provided, single submitter. Criteria: Ambry Variant Classification Scheme 2023. Collection method: clinical testing. Allele origin: germline.

GeneDx
Classification: Benign. Last evaluated: 2015-09-18. Review status: criteria provided, single submitter. Criteria: GeneDx Variant Classification (06012015). Collection method: clinical testing. Allele origin: germline. Affected: yes.
Comment: This variant is considered likely benign or benign based on one or more of the following criteria: it is a conservative change, it occurs at a poorly conserved position in the protein, it is predicted to be benign by multiple in silico algorithms, and/or has population frequency not consistent with disease.

Eurofins Ntd Llc (ga)
Classification: Likely benign. Last evaluated: 2014-12-16. Review status: criteria provided, single submitter. Criteria: EGL Classification Definitions 2015. Collection method: clinical testing. Allele origin: germline. Observed: 1 variant allele, 1 heterozygote.

Laboratory for Molecular Medicine, Mass General Brigham Personalized Medicine
Classification: Likely benign. Last evaluated: 2012-03-15. Review status: criteria provided, single submitter. Criteria: LMM Criteria. Collection method: clinical testing. Allele origin: germline. Observed: 2 variant alleles.
Comment: Ser1232Ser in exon 23 of DSP: This variant is not expected to have clinical sign ificance because it does not alter an amino acid residue and is not located with in the splice consensus sequence. This variant has been identified in 0.2% (8/37 38) of African American chromosomes from a broad population by the NHLBI Exome S equencing Project (dbSNP rs141120358). Ser123 2Ser in exon 23 of DSP (rs141120358; allele frequency = 0.2%, 8/3738) **

PreventionGenetics, part of Exact Sciences
Classification: Likely benign for DSP-related condition. Last evaluated: 2021-09-10. Review status: no assertion criteria provided. Collection method: clinical testing. Allele origin: germline. Not counted in ClinVar's aggregate classification.
Comment: This variant is classified as likely benign based on ACMG/AMP sequence variant interpretation guidelines (Richards et al. 2015 PMID: 25741868, with internal and published modifications).

NM_004415.4(DSP):c.3696C>A (p.Ser1232=)

Gene: DSP (desmoplakin; plus strand). Cytogenetic location: 6p24.3.
Variant type: single nucleotide variant.
Coding change: c.3696C>A on transcript NM_004415.4 (MANE Select); coding-DNA position 3696, C replaced by A.
Protein change: p.Ser1232=; no amino-acid change (serine 1232 retained).
Molecular consequence: synonymous variant. On other transcripts: intron variant (1).
Genome position (GRCh38, 1-based): chr6:7,579,886, C>A. VCF-style: chr6-7579886-C-A. GRCh37 (hg19) VCF-style: chr6-7580119-C-A.
Other names: c.3696C>A, p.Ser1232= (NM_001319034.2); c.3582+114C>A (NM_001008844.3); c.3696C>A (NM_004415.3).
Identifiers: ClinVar variation 44895 (VCV000044895.69), dbSNP rs141120358, ClinGen allele CA004146.
Genomic context (GRCh38, chr6:7,579,886, plus strand): 5'-AGAGATTAACATTACGAAGACCACCATCAAGGAGATATCCATGCAAAAAGAGGATGATTC[C>A]AAAAATCTTAGAAACCAGCTTGATAGACTTTCAAGGGAAAATCGAGATCTGAAGGATGAA-3'
Protein context (NP_004406.2, residues 1222-1242): KEISMQKEDD[Ser1232=]KNLRNQLDRL